The following is an entry in ClinVar:

ClinVar aggregate classification (germline): Uncertain significance (1 of 4 stars; one submission).

Submission:

GeneDx
Classification: Uncertain significance. Last evaluated: 2025-07-11. Review status: criteria provided, single submitter. Criteria: GeneDx Variant Classification Process June 2021. Collection method: clinical testing. Allele origin: germline. Affected: yes.
Comment: Not observed at significant frequency in large population cohorts (gnomAD); In silico analysis supports that this missense variant has a deleterious effect on protein structure/function; Has not been previously published as pathogenic or benign to our knowledge

NM_024665.7(TBL1XR1):c.904C>G (p.Gln302Glu)

Genes: TBL1XR1 (TBL1X/Y related 1; minus strand), TBL1XR1-AS1 (TBL1XR1 antisense RNA 1; plus strand). Cytogenetic location: 3q26.32.
Variant type: single nucleotide variant.
Coding change: c.904C>G on transcript NM_024665.7 (MANE Select); coding-DNA position 904, C replaced by G.
Protein change: p.Gln302Glu; replaces glutamine 302 with glutamic acid.
Molecular consequence: missense variant.
Genome position (GRCh38, 1-based): chr3:177,046,150, G>C on the plus strand (C>G on the coding strand, the complement: TBL1XR1 is on the minus strand). VCF-style: chr3-177046150-G-C. GRCh37 (hg19) VCF-style: chr3-176763938-G-C.
Other names: c.904C>G, p.Gln302Glu (NM_001374327.1, NM_001374328.1, NM_001374329.1 and 2 more transcripts); c.643C>G, p.Gln215Glu (NM_001374330.1, NM_001321195.3); short protein forms Q215E, Q302E.
Identifiers: ClinVar variation 4685046 (VCV004685046.1).